The following is an entry in ClinVar:

ClinVar aggregate classification (germline): Uncertain significance. Review status: criteria provided, multiple submitters, no conflicts (2 of 4 stars). 2 submissions from 2 submitters: Uncertain significance (2). Last evaluated 2023-09-08.

Conditions:
Inborn genetic diseases. Identifiers: MedGen C0950123, MeSH D030342.
Brachyolmia-amelogenesis imperfecta syndrome. Also called: PLATYSPONDYLY WITH AMELOGENESIS IMPERFECTA; Tooth agenesis, selective, 6; Dental anomalies and short stature. Identifiers: Orphanet 2899, MedGen C1832594, MONDO:0011018, OMIM 601216. Disease mechanism: loss of function.

Allele frequency attached by ClinVar (database versions not stated): TOPMed below 0.00001.
gnomAD v4.1: 17 of 1,549,368 alleles (0.0011%); highest among the groups gnomAD compares: Middle Eastern, 0.017%; no homozygotes.

Submissions (2):

Labcorp Genetics (formerly Invitae), Labcorp
Classification: Uncertain significance for Brachyolmia-amelogenesis imperfecta syndrome. Last evaluated: 2023-09-08. Review status: criteria provided, single submitter. Criteria: Invitae Variant Classification Sherloc (09022015). Collection method: clinical testing. Allele origin: germline.
Comment: In summary, the available evidence is currently insufficient to determine the role of this variant in disease. Therefore, it has been classified as a Variant of Uncertain Significance. Algorithms developed to predict the effect of missense changes on protein structure and function output the following: SIFT: "Not Available"; PolyPhen-2: "Benign"; Align-GVGD: "Not Available". The serine amino acid residue is found in multiple mammalian species, which suggests that this missense change does not adversely affect protein function. ClinVar contains an entry for this variant (Variation ID: 1732482). This variant has not been reported in the literature in individuals affected with LTBP3-related conditions. This variant is not present in population databases (gnomAD no frequency). This sequence change replaces glycine, which is neutral and non-polar, with serine, which is neutral and polar, at codon 1181 of the LTBP3 protein (p.Gly1181Ser).

Ambry Genetics
Classification: Uncertain significance for Inborn genetic diseases. Last evaluated: 2022-08-24. Review status: criteria provided, single submitter. Criteria: Ambry Variant Classification Scheme 2023. Collection method: clinical testing. Allele origin: germline.
Comment: The p.G1181S variant (also known as c.3541G>A), located in coding exon 25 of the LTBP3 gene, results from a G to A substitution at nucleotide position 3541. The glycine at codon 1181 is replaced by serine, an amino acid with similar properties. This amino acid position is conserved. In addition, the in silico prediction for this alteration is inconclusive. Since supporting evidence is limited at this time, the clinical significance of this alteration remains unclear.

NM_001130144.3(LTBP3):c.3541G>A (p.Gly1181Ser)

Gene: LTBP3 (latent transforming growth factor beta binding protein 3; minus strand). Cytogenetic location: 11q13.1.
Variant type: single nucleotide variant.
Coding change: c.3541G>A on transcript NM_001130144.3 (MANE Select); coding-DNA position 3541, G replaced by A.
Protein change: p.Gly1181Ser; replaces glycine 1181 with serine.
Molecular consequence: missense variant.
Genome position (GRCh38, 1-based): chr11:65,539,726, C>T on the plus strand (G>A on the coding strand, the complement: LTBP3 is on the minus strand). VCF-style: chr11-65539726-C-T. GRCh37 (hg19) VCF-style: chr11-65307197-C-T.
Other names: c.3049G>A, p.Gly1017Ser (NM_001164266.1); c.3400G>A, p.Gly1134Ser (NM_021070.4); short protein forms G1181S, G1017S, G1134S.
Identifiers: ClinVar variation 1732482 (VCV001732482.7), dbSNP rs755762566, ClinGen allele CA6100267.